The following is an entry in ClinVar:

ClinVar aggregate classification (germline): Uncertain significance (1 of 4 stars; one submission).

Conditions:
Inborn genetic diseases. Identifiers: MedGen C0950123, MeSH D030342.

Submission:

Ambry Genetics
Classification: Uncertain significance for Inborn genetic diseases. Last evaluated: 2020-02-12. Review status: criteria provided, single submitter. Criteria: Ambry Variant Classification Scheme 2023. Collection method: clinical testing. Allele origin: germline.
Comment: The alteration results in an intronic change: _x000D_ _x000D_ The c.2202-4T>A intronic alteration results from a T to A substitution 4 nucleotides before coding exon 20 of the PHIP gene. The alteration is not observed in population databases:_x000D_ _x000D_ Based on data from the Genome Aggregation Database (gnomAD), the PHIP c.2202-4T>A alteration was not observed, with coverage at this position. The altered nucleotide is not conserved throughout evolution:_x000D_ _x000D_ The c.2202-4T nucleotide is not conserved in available vertebrate species. The alteration is predicted not to affect splicing by in silico models:_x000D_ _x000D_ Based on BDGP and ESEfinder splice site in silico tools, this alteration does not have any significant effect on the native acceptor splice site; however, direct evidence is unavailable. Based on insufficient or conflicting evidence, the clinical significance of this alteration remains unclear.

NM_017934.7(PHIP):c.2202-4T>A

Gene: PHIP (pleckstrin homology domain interacting protein; minus strand). Cytogenetic location: 6q14.1.
Variant type: single nucleotide variant.
Coding change: c.2202-4T>A on transcript NM_017934.7 (MANE Select); 4 bases into the intron before coding-DNA position 2202, T replaced by A.
Molecular consequence: intron variant.
Genome position (GRCh38, 1-based): chr6:78,990,989, A>T on the plus strand (T>A on the coding strand, the complement: PHIP is on the minus strand). VCF-style: chr6-78990989-A-T. GRCh37 (hg19) VCF-style: chr6-79700706-A-T.
Identifiers: ClinVar variation 985012 (VCV000985012.4), dbSNP rs1769203288, ClinGen allele CA1139659708.
Genomic context (GRCh38, chr6:78,990,989, plus strand): 5'-GACCTGTAAGTCTTTATTTCTTCTTCTCCCTTTGCAGTTCTCCATTCTTCTTGCCTACTG[A>T]AAGACAAAAGCCATATGCATTAATCTAGAATTTTACACATAACTTTCCTCCAAAAGGAAT-3'